The following is an entry in ClinVar:

ClinVar aggregate classification (germline): Uncertain significance (1 of 4 stars; one submission).

gnomAD v4.1: 36 of 1,612,702 alleles (0.0022%); highest among the groups gnomAD compares: African/African-American, 0.0053%; no homozygotes.

Submission:

GeneDx
Classification: Uncertain significance. Last evaluated: 2025-02-24. Review status: criteria provided, single submitter. Criteria: GeneDx Variant Classification Process June 2021. Collection method: clinical testing. Allele origin: germline.
Comment: In silico analysis supports that this missense variant has a deleterious effect on protein structure/function; Has not been previously published as pathogenic or benign to our knowledge

NM_006828.4(ASCC3):c.2458G>A (p.Ala820Thr)

Gene: ASCC3 (activating signal cointegrator 1 complex subunit 3; minus strand). Cytogenetic location: 6q16.3.
Variant type: single nucleotide variant.
Coding change: c.2458G>A on transcript NM_006828.4 (MANE Select); coding-DNA position 2458, G replaced by A.
Protein change: p.Ala820Thr; replaces alanine 820 with threonine.
Molecular consequence: missense variant.
Genome position (GRCh38, 1-based): chr6:100,662,365, C>T on the plus strand (G>A on the coding strand, the complement: ASCC3 is on the minus strand). VCF-style: chr6-100662365-C-T. GRCh37 (hg19) VCF-style: chr6-101110241-C-T.
Other names: short protein forms A820T.
Identifiers: ClinVar variation 3573895 (VCV003573895.2).